The following is an entry in ClinVar:

ClinVar aggregate classification (germline): Uncertain significance (1 of 4 stars; one submission).

Submission:

GeneDx
Classification: Uncertain significance. Last evaluated: 2025-02-08. Review status: criteria provided, single submitter. Criteria: GeneDx Variant Classification Process June 2021. Collection method: clinical testing. Allele origin: germline. Affected: yes.
Comment: Not observed at significant frequency in large population cohorts (gnomAD); In silico analysis supports that this missense variant has a deleterious effect on protein structure/function; Has not been previously published as pathogenic or benign to our knowledge

NM_022168.4(IFIH1):c.412T>G (p.Cys138Gly)

Gene: IFIH1 (interferon induced with helicase C domain 1; minus strand). Cytogenetic location: 2q24.2.
Variant type: single nucleotide variant.
Coding change: c.412T>G on transcript NM_022168.4 (MANE Select); coding-DNA position 412, T replaced by G.
Protein change: p.Cys138Gly; replaces cysteine 138 with glycine.
Molecular consequence: missense variant.
Genome position (GRCh38, 1-based): chr2:162,317,896, A>C on the plus strand (T>G on the coding strand, the complement: IFIH1 is on the minus strand). VCF-style: chr2-162317896-A-C. GRCh37 (hg19) VCF-style: chr2-163174406-A-C.
Other names: short protein forms C138G.
Identifiers: ClinVar variation 4074711 (VCV004074711.1).